The following is an entry in ClinVar:

ClinVar aggregate classification (germline): Uncertain significance. Review status: criteria provided, multiple submitters, no conflicts (2 of 4 stars). 3 submissions from 3 submitters: Uncertain significance (3). Last evaluated 2025-10-06.

Conditions:
Inflammatory bowel disease. Identifiers: Orphanet 104012, MedGen C0021390, MONDO:0005265.

gnomAD v4.1: 2 of 1,614,174 alleles (0.00012%); highest among the groups gnomAD compares: Admixed American, 0.0017%; no homozygotes.

Submissions (3):

Ambry Genetics
Classification: Uncertain significance. Last evaluated: 2025-10-06. Review status: criteria provided, single submitter. Criteria: Ambry Variant Classification Scheme 2023. Collection method: clinical testing. Allele origin: germline.

Mayo Clinic Laboratories, Mayo Clinic
Classification: Uncertain significance. Last evaluated: 2024-09-04. Review status: criteria provided, single submitter. Criteria: ACMG Guidelines, 2015. Collection method: clinical testing. Allele origin: germline. Observed: 1 variant allele.
Comment: BP4, PM2

Labcorp Genetics (formerly Invitae), Labcorp
Classification: Uncertain significance for Inflammatory bowel disease. Last evaluated: 2021-08-26. Review status: criteria provided, single submitter. Criteria: Invitae Variant Classification Sherloc (09022015). Collection method: clinical testing. Allele origin: germline.
Comment: This sequence change replaces histidine with asparagine at codon 32 of the IL10 protein (p.His32Asn). The histidine residue is moderately conserved and there is a small physicochemical difference between histidine and asparagine. This variant is not present in population databases (ExAC no frequency). This variant has not been reported in the literature in individuals affected with IL10-related conditions. Algorithms developed to predict the effect of missense changes on protein structure and function output the following: SIFT: "Tolerated"; PolyPhen-2: "Benign"; Align-GVGD: "Class C0". The asparagine amino acid residue is found in multiple mammalian species, which suggests that this missense change does not adversely affect protein function. In summary, the available evidence is currently insufficient to determine the role of this variant in disease. Therefore, it has been classified as a Variant of Uncertain Significance.

NM_000572.3(IL10):c.94C>A (p.His32Asn)

Genes: IL19 (interleukin 19; plus strand), IL10 (interleukin 10; minus strand), LOC128462409 (CRISPRi-FlowFISH-validated IL10 regulatory element GRCh37_chr1:206945468-206946089; plus strand). Cytogenetic location: 1q32.1.
Variant type: single nucleotide variant.
Coding change: c.94C>A on transcript NM_000572.3 (MANE Select); coding-DNA position 94, C replaced by A.
Protein change: p.His32Asn; replaces histidine 32 with asparagine.
Molecular consequence: missense variant. On other transcripts: non-coding transcript variant (1), intron variant (2).
Genome position (GRCh38, 1-based): chr1:206,772,342, G>T on the plus strand (C>A on the coding strand, the complement: IL10 is on the minus strand). VCF-style: chr1-206772342-G-T. GRCh37 (hg19) VCF-style: chr1-206945687-G-T.
Other names: p.His32Asn; c.-149+1264G>T (NM_153758.5); c.-149+1512G>T (NM_001393490.1); short protein forms H32N.
Identifiers: ClinVar variation 526787 (VCV000526787.8), dbSNP rs376787667, ClinGen allele CA344482592.
Genomic context (GRCh38, chr1:206,772,342, plus strand): 5'-TCACTCTGCTGAAGGCATCTCGGAGATCTCGAAGCATGTTAGGCAGGTTGCCTGGGAAGT[G>T]GGTGCAGCTGTTCTCAGACTGGGTGCCCTGGCCTGGGCTGGCCCTCACCCCAGTCAGGAG-3'
Protein context (NP_000563.1, residues 22-42): QGTQSENSCT[His32Asn]FPGNLPNMLR